The following is an entry in ClinVar:

NM_002055.5(GFAP):c.1144C>G (p.Gln382Glu)

Gene: GFAP (glial fibrillary acidic protein; minus strand). Cytogenetic location: 17q21.31.
Variant type: single nucleotide variant.
Coding change: c.1144C>G on transcript NM_002055.5 (MANE Select); coding-DNA position 1144, C replaced by G.
Protein change: p.Gln382Glu; replaces glutamine 382 with glutamic acid.
Molecular consequence: missense variant.
Genome position (GRCh38, 1-based): chr17:44,910,642, G>C on the plus strand (C>G on the coding strand, the complement: GFAP is on the minus strand). VCF-style: chr17-44910642-G-C. GRCh37 (hg19) VCF-style: chr17-42988010-G-C.
Other names: c.1144C>G, p.Gln382Glu (NM_001131019.3, NM_001242376.3, NM_001363846.2); short protein forms Q382E.
Identifiers: ClinVar variation 1466296 (VCV001466296.6), dbSNP rs141327123, ClinGen allele CA8608737.

ClinVar aggregate classification (germline): Uncertain significance (1 of 4 stars; one submission).

Allele frequency attached by ClinVar (database versions not stated): gnomAD exomes 0.00001; gnomAD 0.00005; ESP Exome Variant Server 0.00008; TOPMed 0.00011.
gnomAD v4.1: 27 of 1,585,688 alleles (0.0017%); highest among the groups gnomAD compares: Admixed American, 0.015%; no homozygotes.

Submission:

Labcorp Genetics (formerly Invitae), Labcorp
Classification: Uncertain significance. Last evaluated: 2025-03-31. Review status: criteria provided, single submitter. Criteria: Invitae Variant Classification Sherloc (09022015). Collection method: clinical testing. Allele origin: germline.
Comment: This sequence change replaces glutamine, which is neutral and polar, with glutamic acid, which is acidic and polar, at codon 382 of the GFAP protein (p.Gln382Glu). The frequency data for this variant in the population databases is considered unreliable, as metrics indicate poor data quality at this position in the gnomAD database. This variant has not been reported in the literature in individuals affected with GFAP-related conditions. ClinVar contains an entry for this variant (Variation ID: 1466296). Invitae Evidence Modeling of protein sequence and biophysical properties (such as structural, functional, and spatial information, amino acid conservation, physicochemical variation, residue mobility, and thermodynamic stability) has been performed for this missense variant. However, the output from this modeling did not meet the statistical confidence thresholds required to predict the impact of this variant on GFAP protein function. In summary, the available evidence is currently insufficient to determine the role of this variant in disease. Therefore, it has been classified as a Variant of Uncertain Significance.